The following is an entry in ClinVar:

ClinVar aggregate classification (germline): Benign/Likely benign. Review status: criteria provided, multiple submitters, no conflicts (2 of 4 stars). 2 submissions from 2 submitters: Benign (1); Likely benign (1). Last evaluated 2024-08-08.

Conditions:
Juvenile polyposis syndrome (JPS). Identifiers: Orphanet 2929, MedGen C0345893, MONDO:0017380, OMIM 174900.

Submissions (2):

Myriad Genetics, Inc.
Classification: Benign for Juvenile polyposis syndrome. Last evaluated: 2024-08-08. Review status: criteria provided, single submitter. Criteria: Myriad Autosomal Dominant, Autosomal Recessive and X-Linked Classification Criteria (2023). Collection method: clinical testing. Allele origin: unknown.
Comment: This variant is considered benign. This variant is a silent/synonymous amino acid change and it is not expected to impact splicing.

Labcorp Genetics (formerly Invitae), Labcorp
Classification: Likely benign for Juvenile polyposis syndrome. Last evaluated: 2022-03-10. Review status: criteria provided, single submitter. Criteria: Invitae Variant Classification Sherloc (09022015). Collection method: clinical testing. Allele origin: germline.

NM_004329.3(BMPR1A):c.1560G>T (p.Thr520=)

Gene: BMPR1A (bone morphogenetic protein receptor type 1A; plus strand). Cytogenetic location: 10q23.2.
Variant type: single nucleotide variant.
Coding change: c.1560G>T on transcript NM_004329.3 (MANE Select); coding-DNA position 1560, G replaced by T.
Protein change: p.Thr520=; no amino-acid change (threonine 520 retained).
Molecular consequence: synonymous variant.
Genome position (GRCh38, 1-based): chr10:86,923,680, G>T. VCF-style: chr10-86923680-G-T. GRCh37 (hg19) VCF-style: chr10-88683437-G-T.
Identifiers: ClinVar variation 1160249 (VCV001160249.10), dbSNP rs142775086, ClinGen allele CA470308875.